The following is an entry in ClinVar:

NM_012254.3(SLC27A5):c.820C>T (p.His274Tyr)

Gene: SLC27A5 (solute carrier family 27 member 5; minus strand). Cytogenetic location: 19q13.43.
Variant type: single nucleotide variant.
Coding change: c.820C>T on transcript NM_012254.3 (MANE Select); coding-DNA position 820, C replaced by T.
Protein change: p.His274Tyr; replaces histidine 274 with tyrosine.
Molecular consequence: missense variant.
Genome position (GRCh38, 1-based): chr19:58,510,799, G>A on the plus strand (C>T on the coding strand, the complement: SLC27A5 is on the minus strand). VCF-style: chr19-58510799-G-A. GRCh37 (hg19) VCF-style: chr19-59022166-G-A.
Other names: c.568C>T, p.His190Tyr (NM_001321196.2); c.820C>T (NM_012254.2); short protein forms H274Y, H190Y.
Identifiers: ClinVar variation 290386 (VCV000290386.10), dbSNP rs201227208, ClinGen allele CA9718197.

ClinVar aggregate classification (germline): Uncertain significance. Review status: criteria provided, multiple submitters, no conflicts (2 of 4 stars). 4 submissions from 4 submitters: Uncertain significance (4). Last evaluated 2026-08-07.

Conditions:
SLC27A5-related disorder. Also called: SLC27A5-related condition.

Allele frequency attached by ClinVar (database versions not stated): gnomAD exomes 0.00001 and 0.00005; ExAC 0.00004; 1000 Genomes Project 30x 0.00016; TOPMed 0.00017; gnomAD 0.00019 and 0.00021; 1000 Genomes Project 0.00020; ESP Exome Variant Server 0.00023.

Submissions (4):

PreventionGenetics, part of Exact Sciences
Classification: Uncertain significance for SLC27A5-related condition. Last evaluated: 2026-08-07. Review status: criteria provided, single submitter. Criteria: ACMG Guidelines, 2015. Collection method: clinical testing. Allele origin: germline.
Comment: The SLC27A5 c.820C>T variant is predicted to result in the amino acid substitution p.His274Tyr. To our knowledge, this variant has not been reported in the literature. This variant is reported in 0.064% of alleles in individuals of African descent in gnomAD. Although we suspect that this variant may be benign, at this time, the clinical significance of this variant is uncertain due to the absence of conclusive functional and genetic evidence.

Ambry Genetics
Classification: Uncertain significance. Last evaluated: 2024-10-20. Review status: criteria provided, single submitter. Criteria: Ambry Variant Classification Scheme 2023. Collection method: clinical testing. Allele origin: germline.

Labcorp Genetics (formerly Invitae), Labcorp
Classification: Uncertain significance. Last evaluated: 2024-09-18. Review status: criteria provided, single submitter. Criteria: Invitae Variant Classification Sherloc (09022015). Collection method: clinical testing. Allele origin: germline.
Comment: This sequence change replaces histidine, which is basic and polar, with tyrosine, which is neutral and polar, at codon 274 of the SLC27A5 protein (p.His274Tyr). This variant is present in population databases (rs201227208, gnomAD 0.07%), and has an allele count higher than expected for a pathogenic variant. This variant has not been reported in the literature in individuals affected with SLC27A5-related conditions. ClinVar contains an entry for this variant (Variation ID: 290386). An algorithm developed to predict the effect of missense changes on protein structure and function (PolyPhen-2) suggests that this variant is likely to be tolerated. In summary, the available evidence is currently insufficient to determine the role of this variant in disease. Therefore, it has been classified as a Variant of Uncertain Significance.

Eurofins Ntd Llc (ga)
Classification: Uncertain significance. Last evaluated: 2016-08-12. Review status: criteria provided, single submitter. Criteria: EGL Classification Definitions 2015. Collection method: clinical testing. Allele origin: germline. Observed: 1 variant allele, 1 heterozygote.